The following is an entry in ClinVar:

NM_006361.6(HOXB13):c.232G>A (p.Val78Met)

Gene: HOXB13 (homeobox B13; minus strand). Cytogenetic location: 17q21.32.
Variant type: single nucleotide variant.
Coding change: c.232G>A on transcript NM_006361.6 (MANE Select); coding-DNA position 232, G replaced by A.
Protein change: p.Val78Met; replaces valine 78 with methionine.
Molecular consequence: missense variant.
Genome position (GRCh38, 1-based): chr17:48,728,362, C>T on the plus strand (G>A on the coding strand, the complement: HOXB13 is on the minus strand). VCF-style: chr17-48728362-C-T. GRCh37 (hg19) VCF-style: chr17-46805724-C-T.
Other names: short protein forms V78M.
Identifiers: ClinVar variation 485690 (VCV000485690.15), dbSNP rs746542615, ClinGen allele CA400107877.

ClinVar aggregate classification (germline): Conflicting classifications of pathogenicity. Review status: criteria provided, conflicting classifications (1 of 4 stars). 3 submissions from 3 submitters: Uncertain significance (2); Likely benign (1). Last evaluated 2026-01-07.

Conditions:
Hereditary cancer-predisposing syndrome. Also called: Tumor predisposition; Hereditary Cancer Syndrome; Hereditary neoplastic syndrome; Neoplastic Syndromes, Hereditary. Identifiers: Orphanet 140162, MedGen C0027672, MeSH D009386, MONDO:0015356.

Allele frequency attached by ClinVar (database versions not stated): gnomAD 0.00001; TOPMed 0.00002.
gnomAD v4.1: 14 of 1,613,846 alleles (0.00087%); highest among the groups gnomAD compares: East Asian, 0.027%; no homozygotes.

Submissions (3):

Labcorp Genetics (formerly Invitae), Labcorp
Classification: Uncertain significance. Last evaluated: 2026-01-07. Review status: criteria provided, single submitter. Criteria: Invitae Variant Classification Sherloc (09022015). Collection method: clinical testing. Allele origin: germline.
Comment: This sequence change replaces valine, which is neutral and non-polar, with methionine, which is neutral and non-polar, at codon 78 of the HOXB13 protein (p.Val78Met). This variant is present in population databases (no rsID available, gnomAD 0.02%). This variant has not been reported in the literature in individuals affected with HOXB13-related conditions. ClinVar contains an entry for this variant (Variation ID: 485690). Invitae Evidence Modeling of protein sequence and biophysical properties (such as structural, functional, and spatial information, amino acid conservation, physicochemical variation, residue mobility, and thermodynamic stability) indicates that this missense variant is not expected to disrupt HOXB13 protein function with a negative predictive value of 80%. In summary, the available evidence is currently insufficient to determine the role of this variant in disease. Therefore, it has been classified as a Variant of Uncertain Significance.

Ambry Genetics
Classification: Likely benign for Hereditary cancer-predisposing syndrome. Last evaluated: 2024-11-08. Review status: criteria provided, single submitter. Criteria: Ambry Variant Classification Scheme 2023. Collection method: clinical testing. Allele origin: germline.

GeneDx
Classification: Uncertain significance. Last evaluated: 2023-02-15. Review status: criteria provided, single submitter. Criteria: GeneDx Variant Classification Process June 2021. Collection method: clinical testing. Allele origin: germline. Affected: yes.
Comment: Not observed at significant frequency in large population cohorts (gnomAD); In silico analysis supports that this missense variant does not alter protein structure/function; Has not been previously published as pathogenic or benign to our knowledge